The following is an entry in ClinVar:

ClinVar aggregate classification (germline): Uncertain significance (1 of 4 stars; one submission).

Conditions:
Familial cancer of breast. Also called: hereditary breast carcinoma; Hereditary breast cancer; BREAST CANCER, FAMILIAL. Identifiers: Orphanet 227535, MedGen C0346153, MONDO:0016419, OMIM 114480. Disease mechanism: loss of function.

Submission:

Labcorp Genetics (formerly Invitae), Labcorp
Classification: Uncertain significance for Familial cancer of breast. Last evaluated: 2018-10-04. Review status: criteria provided, single submitter. Criteria: Invitae Variant Classification Sherloc (09022015). Collection method: clinical testing. Allele origin: germline.
Comment: This variant has not been reported in the literature in individuals with CHEK2-related disease. Algorithms developed to predict the effect of missense changes on protein structure and function (SIFT, PolyPhen-2, Align-GVGD) all suggest that this variant is likely to be tolerated, but these predictions have not been confirmed by published functional studies and their clinical significance is uncertain. In summary, the available evidence is currently insufficient to determine the role of this variant in disease. Therefore, it has been classified as a Variant of Uncertain Significance. This variant is not present in population databases (ExAC no frequency). This sequence change replaces arginine with glycine at codon 493 of the CHEK2 protein (p.Arg493Gly). The arginine residue is moderately conserved and there is a moderate physicochemical difference between arginine and glycine.

NM_007194.4(CHEK2):c.1477A>G (p.Arg493Gly)

Gene: CHEK2 (checkpoint kinase 2; minus strand). Cytogenetic location: 22q12.1.
Variant type: single nucleotide variant.
Coding change: c.1477A>G on transcript NM_007194.4 (MANE Select); coding-DNA position 1477, A replaced by G.
Protein change: p.Arg493Gly; replaces arginine 493 with glycine.
Molecular consequence: missense variant.
Genome position (GRCh38, 1-based): chr22:28,689,200, T>C on the plus strand (A>G on the coding strand, the complement: CHEK2 is on the minus strand). VCF-style: chr22-28689200-T-C. GRCh37 (hg19) VCF-style: chr22-29085188-T-C.
Other names: c.1606A>G, p.Arg536Gly (NM_001005735.3); c.814A>G, p.Arg272Gly (NM_001257387.3); c.1276A>G, p.Arg426Gly (NM_001349956.3); c.1390A>G, p.Arg464Gly (NM_145862.3); short protein forms R464G, R272G, R426G, R493G, R536G.
Identifiers: ClinVar variation 647293 (VCV000647293.9), dbSNP rs1601702436, ClinGen allele CA411092615.